The following is an entry in ClinVar:

ClinVar aggregate classification (germline): Uncertain significance (1 of 4 stars; one submission).

Allele frequency attached by ClinVar (database versions not stated): TOPMed below 0.00001; gnomAD 0.00001; gnomAD exomes 0.00001; ExAC 0.00003; 1000 Genomes Project 30x 0.00016; 1000 Genomes Project 0.00020.
gnomAD v4.1: 22 of 1,602,322 alleles (0.0014%); highest among the groups gnomAD compares: East Asian, 0.02%; no homozygotes.

Submission:

Labcorp Genetics (formerly Invitae), Labcorp
Classification: Uncertain significance. Last evaluated: 2022-05-29. Review status: criteria provided, single submitter. Criteria: Invitae Variant Classification Sherloc (09022015). Collection method: clinical testing. Allele origin: germline.
Comment: This sequence change replaces arginine, which is basic and polar, with histidine, which is basic and polar, at codon 275 of the TSFM protein (p.Arg275His). The frequency data for this variant in the population databases is considered unreliable, as metrics indicate poor data quality at this position in the gnomAD database. This variant has not been reported in the literature in individuals affected with TSFM-related conditions. ClinVar contains an entry for this variant (Variation ID: 1426627). Algorithms developed to predict the effect of missense changes on protein structure and function are either unavailable or do not agree on the potential impact of this missense change (SIFT: "Tolerated"; PolyPhen-2: "Probably Damaging"; Align-GVGD: "Class C0"). In summary, the available evidence is currently insufficient to determine the role of this variant in disease. Therefore, it has been classified as a Variant of Uncertain Significance.

NM_005726.6(TSFM):c.761G>A (p.Arg254His)

Gene: TSFM (Ts translation elongation factor, mitochondrial; plus strand). Cytogenetic location: 12q14.1.
Variant type: single nucleotide variant.
Coding change: c.761G>A on transcript NM_005726.6 (MANE Select); coding-DNA position 761, G replaced by A.
Protein change: p.Arg254His; replaces arginine 254 with histidine.
Molecular consequence: missense variant. On other transcripts: 3 prime UTR variant (1), intron variant (1).
Genome position (GRCh38, 1-based): chr12:57,796,366, G>A. VCF-style: chr12-57796366-G-A. GRCh37 (hg19) VCF-style: chr12-58190149-G-A.
Other names: c.*169G>A (NM_001172695.2); c.824G>A, p.Arg275His (NM_001172696.2); c.571+3293G>A (NM_001172697.2); short protein forms R275H, R254H.
Identifiers: ClinVar variation 1426627 (VCV001426627.5), dbSNP rs201558263, ClinGen allele CA6659440.